The following is an entry in ClinVar:

ClinVar aggregate classification (germline): Uncertain significance (1 of 4 stars; one submission).

Conditions:
Nemaline myopathy 8 (NEM8). Also called: Nemaline myopathy 8, autosomal recessive. Identifiers: Orphanet 171430, MedGen C3809209, MONDO:0014138, OMIM 615348.

Submission:

Labcorp Genetics (formerly Invitae), Labcorp
Classification: Uncertain significance for Nemaline myopathy 8. Last evaluated: 2021-03-15. Review status: criteria provided, single submitter. Criteria: Invitae Variant Classification Sherloc (09022015). Collection method: clinical testing. Allele origin: germline.
Comment: This sequence change replaces alanine with serine at codon 601 of the KLHL40 protein (p.Ala601Ser). The alanine residue is weakly conserved and there is a moderate physicochemical difference between alanine and serine. This variant is not present in population databases (ExAC no frequency). This variant has not been reported in the literature in individuals with KLHL40-related conditions. Algorithms developed to predict the effect of missense changes on protein structure and function output the following: SIFT: "Tolerated"; PolyPhen-2: "Benign"; Align-GVGD: "Class C0". The serine amino acid residue is found in multiple mammalian species, suggesting that this missense change does not adversely affect protein function. These predictions have not been confirmed by published functional studies and their clinical significance is uncertain. In summary, the available evidence is currently insufficient to determine the role of this variant in disease. Therefore, it has been classified as a Variant of Uncertain Significance.

NM_152393.4(KLHL40):c.1801G>T (p.Ala601Ser)

Gene: KLHL40 (kelch like family member 40; plus strand). Cytogenetic location: 3p22.1.
Variant type: single nucleotide variant.
Coding change: c.1801G>T on transcript NM_152393.4 (MANE Select); coding-DNA position 1801, G replaced by T.
Protein change: p.Ala601Ser; replaces alanine 601 with serine.
Molecular consequence: missense variant.
Genome position (GRCh38, 1-based): chr3:42,691,928, G>T. VCF-style: chr3-42691928-G-T. GRCh37 (hg19) VCF-style: chr3-42733420-G-T.
Other names: short protein forms A601S.
Identifiers: ClinVar variation 1421691 (VCV001421691.8), dbSNP rs144659891, ClinGen allele CA352295503.